The following is an entry in ClinVar:

NM_001009944.3(PKD1):c.1658_1667dup (p.Leu557fs)

Gene: PKD1 (polycystin 1, transient receptor potential channel interacting; minus strand). Cytogenetic location: 16p13.3.
Variant type: Duplication.
Coding change: c.1658_1667dup on transcript NM_001009944.3 (MANE Select); coding-DNA positions 1658 to 1667, 10 bases duplicated (TGCAGGGACC; older notation c.1658_1667dupTGCAGGGACC).
Protein change: p.Leu557fs; shifts the reading frame from leucine 557.
Molecular consequence: frameshift variant.
Genome position (GRCh38, 1-based): chr16:2,116,584-2,116,593, GGTCCCTGCA duplicated on the plus strand (TGCAGGGACC on the coding strand, the reverse complement: PKD1 is on the minus strand); duplicating any 10 consecutive bases within chr16:2,116,584-2,116,599 gives the same sequence; the c. name uses the placement nearest the transcript's 3' end. VCF-style (leftmost placement, unchanged base first): chr16-2116583-G-GGGTCCCTGCA. GRCh37 (hg19) VCF-style: chr16-2166584-G-GGGTCCCTGCA.
Other names: c.1658_1667dup, p.Leu557fs (NM_000296.4); short protein forms L557fs.
Identifiers: ClinVar variation 3335850 (VCV003335850.2).

ClinVar aggregate classification (germline): Pathogenic (1 of 4 stars; one submission).

Conditions:
Polycystic kidney disease, adult type (PKD1). Also called: Polycystic Kidney, Autosomal Dominant; POLYCYSTIC KIDNEY DISEASE 1 WITH OR WITHOUT POLYCYSTIC LIVER DISEASE; POLYCYSTIC KIDNEY DISEASE, ADULT, TYPE I; Polycystic Kidney Disease 1, Autosomal Dominant; Polycystic kidney disease 1; Polycystic kidney disease 1, severe. Identifiers: MedGen C3149841, MONDO:0008263, OMIM 173900.

Submission:

Juno Genomics, Hangzhou Juno Genomics, Inc
Classification: Pathogenic for Polycystic kidney disease, adult type. Review status: criteria provided, single submitter. Criteria: ACMG Guidelines, 2015. Collection method: clinical testing. Allele origin: germline. Affected: yes.
Comment: Null variant in a gene where loss of function (LOF) is a known mechanism of disease.;Absent from controls (or at extremely low frequency if recessive) in Genome Aggregation Database, Exome Sequencing Project, 1000 Genomes Project, or Exome Aggregation Consortium.;Patient's phenotype or family history is highly specific for a disease with a single genetic etiology.